The following is an entry in ClinVar:

ClinVar aggregate classification (germline): Pathogenic/Likely pathogenic. Review status: criteria provided, multiple submitters, no conflicts (2 of 4 stars). 2 submissions from 2 submitters: Pathogenic (1); Likely pathogenic (1). Last evaluated 2026-02-05.

Conditions:
Glycogen storage disease due to lactate dehydrogenase M-subunit deficiency (GSD11). Also called: Glycogen storage disease XI; GSD XI; LACTATE DEHYDROGENASE A DEFICIENCY. Identifiers: Orphanet 284426, MedGen C2931743, MONDO:0013047, OMIM 612933.

Submissions (2):

Women's Health and Genetics/Laboratory Corporation of America, LabCorp
Classification: Pathogenic for Glycogen storage disease due to lactate dehydrogenase M-subunit deficiency. Last evaluated: 2026-02-05. Review status: criteria provided, single submitter. Criteria: LabCorp Variant Classification Summary - May 2015. Collection method: clinical testing. Allele origin: germline.
Comment: Variant summary: LDHA c.686_687delAG (p.Glu229GlyfsX7) results in a premature termination codon, predicted to cause a truncation of the encoded protein or absence of the protein due to nonsense mediated decay, which are commonly known mechanisms for disease. The variant allele was found at a frequency of 8e-06 in 251446 control chromosomes. To our knowledge, no occurrence of c.686_687delAG in individuals affected with LDHA-related conditions and no experimental evidence demonstrating its impact on protein function have been reported. ClinVar contains an entry for this variant (Variation ID: 3599467). Based on the evidence outlined above, the variant was classified as pathogenic.

Fulgent Genetics
Classification: Likely pathogenic for Glycogen storage disease due to lactate dehydrogenase M-subunit deficiency. Last evaluated: 2024-05-29. Review status: criteria provided, single submitter. Criteria: ACMG Guidelines, 2015. Collection method: clinical testing. Allele origin: germline.

NM_005566.4(LDHA):c.686_687del (p.Glu229fs)

Gene: LDHA (lactate dehydrogenase A; plus strand). Cytogenetic location: 11p15.1.
Variant type: Microsatellite.
Coding change: c.686_687del on transcript NM_005566.4 (MANE Select); coding-DNA positions 686 to 687, 2 bases deleted (AG; older notation c.686_687delAG).
Protein change: p.Glu229fs; shifts the reading frame from glutamic acid 229.
Molecular consequence: frameshift variant. On other transcripts: non-coding transcript variant (1).
Genome position (GRCh38, 1-based): chr11:18,403,787-18,403,788, AG deleted; deleting any 2 consecutive bases within chr11:18,403,785-18,403,788 gives the same sequence; the c. name uses the placement nearest the transcript's 3' end. VCF-style (leftmost placement, unchanged base first): chr11-18403784-AAG-A. GRCh37 (hg19) VCF-style: chr11-18425331-AAG-A.
Other names: c.512_513del, p.Glu171fs (NM_001135239.2); c.773_774del, p.Glu258fs (NM_001165414.2); c.686_687del, p.Glu229fs (NM_001165415.2, NM_001165416.2); c.686_687delAG (NM_005566.4); short protein forms E229fs, E171fs, E258fs.
Identifiers: ClinVar variation 3599467 (VCV003599467.2).